The following is an entry in ClinVar:

ClinVar aggregate classification (germline): Benign/Likely benign. Review status: criteria provided, multiple submitters, no conflicts (2 of 4 stars). 5 submissions from 5 submitters: Benign (1); Likely benign (3). 1 of the submissions does not count toward it. Last evaluated 2026-01-27.

Conditions:
Retinal dystrophy. Also called: Inherited retinal dystrophy. Identifiers: Orphanet 71862, MedGen C0854723, MeSH D058499, MONDO:0019118, HP:0000556.
Leber congenital amaurosis (LCA). Also called: Leber's amaurosis. Identifiers: Orphanet 65, MedGen C0339527, MeSH D057130, MONDO:0018998.
Retinitis pigmentosa 12 (RP12). Also called: RP WITH OR WITHOUT PRESERVED PARAARTERIOLE RETINAL PIGMENT EPITHELIUM; RETINITIS PIGMENTOSA WITH OR WITHOUT PARAARTERIOLAR PRESERVATION OF RETINAL PIGMENT EPITHELIUM; RP WITH OR WITHOUT PPRPE. Identifiers: Orphanet 791, MedGen C1838647, MONDO:0010818, OMIM 600105.
Leber congenital amaurosis 8 (LCA8). Identifiers: Orphanet 65, MedGen C3151202, MONDO:0013453, OMIM 613835.

Allele frequency attached by ClinVar (database versions not stated): gnomAD below 0.00001 and 0.00017; TOPMed 0.00002; gnomAD exomes 0.00073; ExAC 0.00081; 1000 Genomes Project 30x 0.00141; 1000 Genomes Project 0.00160.
gnomAD v4.1: 586 of 1,613,938 alleles (0.036%); highest among the groups gnomAD compares: South Asian, 0.61%; 7 homozygotes.

Submissions (5):

Labcorp Genetics (formerly Invitae), Labcorp
Classification: Benign for Leber congenital amaurosis 8; Retinitis pigmentosa 12. Last evaluated: 2026-01-27. Review status: criteria provided, single submitter. Criteria: Invitae Variant Classification Sherloc (09022015). Collection method: clinical testing. Allele origin: germline.

CeGaT Center for Human Genetics Tuebingen
Classification: Likely benign. Last evaluated: 2025-11-01. Review status: criteria provided, single submitter. Criteria: CeGaT Center For Human Genetics Tuebingen Variant Classification Criteria Version 2. Collection method: clinical testing. Allele origin: germline. Affected: yes. Observed: 1 variant allele.
Comment: CRB1: BP4, BP7

Blueprint Genetics
Classification: Likely benign. Last evaluated: 2024-10-30. Review status: criteria provided, single submitter. Criteria: ACMG Guidelines, 2015. Collection method: clinical testing. Allele origin: germline.

Dept Of Ophthalmology, Nagoya University
Classification: Likely benign for Retinal dystrophy. Last evaluated: 2023-10-01. Review status: criteria provided, single submitter. Criteria: Submitter's publication. Collection method: research. Allele origin: germline. Affected: yes.

Natera, Inc.
Classification: Benign for Leber congenital amaurosis. Last evaluated: 2020-09-16. Review status: no assertion criteria provided. Collection method: clinical testing. Allele origin: germline. Not counted in ClinVar's aggregate classification.

NM_201253.3(CRB1):c.3258T>A (p.Ala1086=)

Gene: CRB1 (crumbs cell polarity complex component 1; plus strand). Cytogenetic location: 1q31.3.
Variant type: single nucleotide variant.
Coding change: c.3258T>A on transcript NM_201253.3 (MANE Select); coding-DNA position 3258, T replaced by A.
Protein change: p.Ala1086=; no amino-acid change (alanine 1086 retained).
Molecular consequence: synonymous variant. On other transcripts: non-coding transcript variant (2), intron variant (1).
Genome position (GRCh38, 1-based): chr1:197,435,121, T>A. VCF-style: chr1-197435121-T-A. GRCh37 (hg19) VCF-style: chr1-197404251-T-A.
Other names: c.2922T>A, p.Ala974= (NM_001193640.2); c.3186T>A, p.Ala1062= (NM_001257965.2); c.2129-479T>A (NM_001257966.2).
Identifiers: ClinVar variation 707685 (VCV000707685.20), dbSNP rs535494663, ClinGen allele CA1312305.